The following is an entry in ClinVar:

NM_002700.3(POU4F3):c.85G>A (p.Glu29Lys)

Genes: POU4F3 (POU class 4 homeobox 3; plus strand), RBM27-POU4F3 (RBM27-POU4F3 readthrough; plus strand). Cytogenetic location: 5q32.
Variant type: single nucleotide variant.
Coding change: c.85G>A on transcript NM_002700.3 (MANE Select); coding-DNA position 85, G replaced by A.
Protein change: p.Glu29Lys; replaces glutamic acid 29 with lysine.
Molecular consequence: missense variant.
Genome position (GRCh38, 1-based): chr5:146,339,197, G>A. VCF-style: chr5-146339197-G-A. GRCh37 (hg19) VCF-style: chr5-145718760-G-A.
Other names: c.2918G>A, p.Arg973Gln (NM_001414499.1); short protein forms E29K, R973Q.
Identifiers: ClinVar variation 2662906 (VCV002662906.2), dbSNP rs746326601, ClinGen allele CA3491025.

ClinVar aggregate classification (germline): Uncertain significance. Review status: criteria provided, multiple submitters, no conflicts (2 of 4 stars). 2 submissions from 2 submitters: Uncertain significance (2). Last evaluated 2026-07-28.

Conditions:
POU4F3-related disorder. Also called: POU4F3-related condition.

Allele frequency attached by ClinVar (database versions not stated): ExAC 0.00001; gnomAD 0.00003; gnomAD exomes 0.00003; TOPMed 0.00003.

Submissions (2):

PreventionGenetics, part of Exact Sciences
Classification: Uncertain significance for POU4F3-related condition. Last evaluated: 2026-07-28. Review status: criteria provided, single submitter. Criteria: ACMG Guidelines, 2015. Collection method: clinical testing. Allele origin: germline.
Comment: The POU4F3 c.85G>A variant is predicted to result in the amino acid substitution p.Glu29Lys. To our knowledge, this variant has not been reported in the literature. This variant is reported in 0.0028% of alleles in individuals of Latino descent in gnomAD. At this time, the clinical significance of this variant is uncertain due to the absence of conclusive functional and genetic evidence.

GeneDx
Classification: Uncertain significance. Last evaluated: 2023-05-02. Review status: criteria provided, single submitter. Criteria: GeneDx Variant Classification Process June 2021. Collection method: clinical testing. Allele origin: germline. Affected: yes.
Comment: In silico analysis supports that this missense variant does not alter protein structure/function; Has not been previously published as pathogenic or benign to our knowledge